The following is an entry in ClinVar:

NM_006302.3(MOGS):c.37G>T (p.Ala13Ser)

Gene: MOGS (mannosyl-oligosaccharide glucosidase; minus strand). Cytogenetic location: 2p13.1.
Variant type: single nucleotide variant.
Coding change: c.37G>T on transcript NM_006302.3 (MANE Select); coding-DNA position 37, G replaced by T.
Protein change: p.Ala13Ser; replaces alanine 13 with serine.
Molecular consequence: missense variant. On other transcripts: intron variant (1).
Genome position (GRCh38, 1-based): chr2:74,465,211, C>A on the plus strand (G>T on the coding strand, the complement: MOGS is on the minus strand). VCF-style: chr2-74465211-C-A. GRCh37 (hg19) VCF-style: chr2-74692338-C-A.
Other names: c.-59+103G>T (NM_001146158.2); short protein forms A13S.
Identifiers: ClinVar variation 951496 (VCV000951496.10), dbSNP rs1187849918, ClinGen allele CA347383807.
Genomic context (GRCh38, chr2:74,465,211, plus strand): 5'-GGCCGTCCCGTCGCCCGGGGCCTCCCCGAGCCGCCCTCTCGGCTGTCCGCACTCCCTCTG[C>A]CGGCACTGCGCGGCGCCGCCGCTCGCCCCGAGCCATCCTGGCACTGAGGTCCGCGTCACA-3'
Protein context (NP_006293.2, residues 3-23): RGERRRRAVP[Ala13Ser]EGVRTAERAA

ClinVar aggregate classification (germline): Uncertain significance (1 of 4 stars; one submission).

Conditions:
MOGS-congenital disorder of glycosylation. Also called: MOGS-CDG; GLUCOSIDASE I DEFICIENCY; CDG IIb; CDG 2B. Identifiers: Orphanet 79330, MedGen C1853736, MONDO:0011629, OMIM 606056.

Submission:

Labcorp Genetics (formerly Invitae), Labcorp
Classification: Uncertain significance for MOGS-congenital disorder of glycosylation. Last evaluated: 2019-05-14. Review status: criteria provided, single submitter. Criteria: Invitae Variant Classification Sherloc (09022015). Collection method: clinical testing. Allele origin: germline.
Comment: In summary, the available evidence is currently insufficient to determine the role of this variant in disease. Therefore, it has been classified as a Variant of Uncertain Significance. Algorithms developed to predict the effect of missense changes on protein structure and function (SIFT, PolyPhen-2, Align-GVGD) all suggest that this variant is likely to be tolerated, but these predictions have not been confirmed by published functional studies and their clinical significance is uncertain. This variant has not been reported in the literature in individuals with MOGS-related conditions. The frequency data for this variant in the population databases is considered unreliable, as metrics indicate insufficient coverage at this position in the ExAC database. This sequence change replaces alanine with serine at codon 13 of the MOGS protein (p.Ala13Ser). The alanine residue is weakly conserved and there is a moderate physicochemical difference between alanine and serine.